The following is an entry in ClinVar:

ClinVar aggregate classification (germline): Uncertain significance. Review status: criteria provided, multiple submitters, no conflicts (2 of 4 stars). 2 submissions from 2 submitters: Uncertain significance (2). Last evaluated 2025-10-01.

gnomAD v4.1: 11 of 1,613,910 alleles (0.00068%); highest among the groups gnomAD compares: Admixed American, 0.0033%; no homozygotes.

Submissions (2):

Labcorp Genetics (formerly Invitae), Labcorp
Classification: Uncertain significance. Last evaluated: 2025-10-01. Review status: criteria provided, single submitter. Criteria: Invitae Variant Classification Sherloc (09022015). Collection method: clinical testing. Allele origin: germline.
Comment: This sequence change replaces arginine, which is basic and polar, with histidine, which is basic and polar, at codon 1319 of the NYNRIN protein (p.Arg1319His). This variant is present in population databases (rs776363411, gnomAD 0.003%). This variant has not been reported in the literature in individuals affected with NYNRIN-related conditions. ClinVar contains an entry for this variant (Variation ID: 2488909). An algorithm developed to predict the effect of missense changes on protein structure and function outputs the following: PolyPhen-2: "Not Available". The histidine amino acid residue is found in multiple mammalian species, which suggests that this missense change does not adversely affect protein function. In summary, the available evidence is currently insufficient to determine the role of this variant in disease. Therefore, it has been classified as a Variant of Uncertain Significance.

Ambry Genetics
Classification: Uncertain significance. Last evaluated: 2025-09-01. Review status: criteria provided, single submitter. Criteria: Ambry Variant Classification Scheme 2023. Collection method: clinical testing. Allele origin: germline.

NM_025081.3(NYNRIN):c.3956G>A (p.Arg1319His)

Gene: NYNRIN (NYN domain and retroviral integrase containing; plus strand). Cytogenetic location: 14q12.
Variant type: single nucleotide variant.
Coding change: c.3956G>A on transcript NM_025081.3 (MANE Select); coding-DNA position 3956, G replaced by A.
Protein change: p.Arg1319His; replaces arginine 1319 with histidine.
Molecular consequence: missense variant.
Genome position (GRCh38, 1-based): chr14:24,415,705, G>A. VCF-style: chr14-24415705-G-A. GRCh37 (hg19) VCF-style: chr14-24884911-G-A.
Other names: short protein forms R1319H.
Identifiers: ClinVar variation 2488909 (VCV002488909.4), dbSNP rs776363411, ClinGen allele CA257937805.
Genomic context (GRCh38, chr14:24,415,705, plus strand): 5'-CGCCTTTCTCTGACCTGTCCACGTTCGTCTGCATCCACATGTCGGGCTACTGCTTCTACC[G>A]TGAGGATGAGTGGTGTGCTGGCTTTGGTCTCTATGTTCTATCGCCCACCAGCCCCCCTGT-3'
Protein context (NP_079357.2, residues 1309-1329): CIHMSGYCFY[Arg1319His]EDEWCAGFGL